The following is an entry in ClinVar:

ClinVar aggregate classification (germline): Uncertain significance (1 of 4 stars; one submission).

Submission:

GeneDx
Classification: Uncertain significance. Last evaluated: 2025-07-15. Review status: criteria provided, single submitter. Criteria: GeneDx Variant Classification Process June 2021. Collection method: clinical testing. Allele origin: germline. Affected: yes.
Comment: Not observed at significant frequency in large population cohorts (gnomAD); In silico analysis suggests that this missense variant does not alter protein structure/function; Has not been previously published as pathogenic or benign to our knowledge

NM_001042750.2(STAG2):c.3503A>G (p.Gln1168Arg)

Gene: STAG2 (STAG2 cohesin complex component; plus strand). Cytogenetic location: Xq25.
Variant type: single nucleotide variant.
Coding change: c.3503A>G on transcript NM_001042750.2 (MANE Select); coding-DNA position 3503, A replaced by G.
Protein change: p.Gln1168Arg; replaces glutamine 1168 with arginine.
Molecular consequence: missense variant. On other transcripts: intron variant (15).
Genome position (GRCh38, 1-based): chrX:124,090,889, A>G. VCF-style: chrX-124090889-A-G. GRCh37 (hg19) VCF-style: chrX-123224739-A-G.
Other names: c.3503A>G, p.Gln1168Arg (NM_001441085.1, NM_001375366.1, NM_001375367.1 and 8 more transcripts); c.3467+125A>G (NM_001441077.1, NM_001375373.1, NM_001441078.1 and 12 more transcripts); short protein forms Q1168R.
Identifiers: ClinVar variation 4686467 (VCV004686467.1).